The following is an entry in ClinVar:

ClinVar aggregate classification (germline): Uncertain significance (1 of 4 stars; one submission).

Submission:

GeneDx
Classification: Uncertain significance. Last evaluated: 2025-10-08. Review status: criteria provided, single submitter. Criteria: GeneDx Variant Classification Process June 2021. Collection method: clinical testing. Allele origin: germline. Affected: yes.
Comment: Not observed at significant frequency in large population cohorts (gnomAD); In silico analysis supports that this missense variant has a deleterious effect on protein structure/function; Has not been previously published as pathogenic or benign to our knowledge

NM_001256627.2(BRSK2):c.1066A>G (p.Asn356Asp)

Gene: BRSK2 (BR serine/threonine kinase 2; plus strand). Cytogenetic location: 11p15.5.
Variant type: single nucleotide variant.
Coding change: c.1066A>G on transcript NM_001256627.2 (MANE Select); coding-DNA position 1066, A replaced by G.
Protein change: p.Asn356Asp; replaces asparagine 356 with aspartic acid.
Molecular consequence: missense variant. On other transcripts: non-coding transcript variant (1).
Genome position (GRCh38, 1-based): chr11:1,445,659, A>G. VCF-style: chr11-1445659-A-G. GRCh37 (hg19) VCF-style: chr11-1466889-A-G.
Other names: c.1066A>G, p.Asn356Asp (NM_001256629.2, NM_003957.4); c.1204A>G, p.Asn402Asp (NM_001256630.1); c.886A>G, p.Asn296Asp (NM_001282218.2); short protein forms N296D, N356D, N402D.
Identifiers: ClinVar variation 1695678 (VCV001695678.3), dbSNP rs2133123305, ClinGen allele CA379061402.
Genomic context (GRCh38, chr11:1,445,659, plus strand): 5'-CTCCTCCTGGACCGGAAAGAAAGGTACCCGAGCCAGGAGGATGAGGACCTGCCCCCCCGG[A>G]ACGAGATAGGTATGGGTCCAGGGGTGGCCTCCAGCCCGGCCTGCACTGCCCCACCGGGGT-3'
Protein context (NP_001243556.1, residues 346-366): SQEDEDLPPR[Asn356Asp]EIDPPRKRVD